The following is an entry in ClinVar:

ClinVar aggregate classification (germline): Likely pathogenic. Review status: reviewed by expert panel (3 of 4 stars). 4 submissions from 4 submitters: Likely pathogenic (1). 3 of the submissions do not count toward it. Last evaluated 2023-08-28.

Conditions:
CDH1-related diffuse gastric and lobular breast cancer syndrome. Also called: CDH1-related diffuse gastric and lobular breast cancer. Identifiers: MedGen CN311521, MONDO:0100488.
Hereditary cancer-predisposing syndrome. Also called: Neoplastic Syndromes, Hereditary; Tumor predisposition; Hereditary Cancer Syndrome; Hereditary neoplastic syndrome. Identifiers: Orphanet 140162, MedGen C0027672, MeSH D009386, MONDO:0015356.
Hereditary diffuse gastric adenocarcinoma (HDGC). Also called: DIFFUSE GASTRIC AND LOBULAR BREAST CANCER SYNDROME. Identifiers: Orphanet 26106, MedGen C1708349, MONDO:0007648, OMIM 137215.

Allele frequency attached by ClinVar (database versions not stated): gnomAD exomes below 0.00001.
gnomAD v4.1: 1 of 1,613,480 alleles (0.000062%); highest among the groups gnomAD compares: Non-Finnish European, 0.000085%; no homozygotes.

Submissions (4):

Clingen Gastric Cancer Variant Curation Expert Panel
Classification: Likely pathogenic for CDH1-related diffuse gastric and lobular breast cancer syndrome. Last evaluated: 2023-08-28. Review status: reviewed by expert panel. Criteria: ClinGen CDH1 ACMG Specifications V3.1. Collection method: curation. Allele origin: germline. Inheritance: Autosomal dominant inheritance.
Comment: The NM_004360.5(CDH1):c.833-9C>G variant is an intronic variant in the vicinity of the 3' splice site of intron 6. This variant is absent from gnomAD v2.1.1 (PM2_Supporting). There are at least 3 in silico predictors in agreement that this variant affects splicing (PP3). Additionally, this variant has been reported in at least two families meeting HDGC clinical criteria (PS4_Moderate; internal laboratory contributor). Furthermore, RNA analysis has demonstrated a novel eight base pair insertion (TCTTCCAG) resulting in a premature stop codon (p.G278Vfs*7) (PS3, internal data). In summary, this variant is classified as likely pathogenic based on ACMG/AMP criteria applied as specified by the CDH1 Variant Curation Expert Panel (Variant Interpretation Guidelines Version 3.1): PS3, PS4_supporting, PM2_supporting, PP3.

Women's Health and Genetics/Laboratory Corporation of America, LabCorp
Classification: Likely pathogenic for Hereditary diffuse gastric adenocarcinoma. Last evaluated: 2026-05-15. Review status: criteria provided, single submitter. Criteria: LabCorp Variant Classification Summary - May 2015. Collection method: clinical testing. Allele origin: germline. Not counted in ClinVar's aggregate classification.
Comment: Variant summary: CDH1 c.833-9C>G alters a non-conserved nucleotide located at a position not widely known to affect splicing. Several computational tools predict a significant impact on normal splicing: Two predict the variant abolishes a 3' acceptor site. Three predict the variant weakens a 3' acceptor site. Three predict the variant creates a 3' acceptor site. At least one publication and internal RNA splicing studies found that this variant affects mRNA splicing, resulting in the insertion of 8 bp of intronic sequence expected to cause nonsense mediated decay (Fillmann_2023, internal data). The variant was absent in 251328 control chromosomes. c.833-9C>G has been observed in the heterozygous state in at least 2 individual(s) affected with CDH1-related conditions (example, Fillmann_2023, internal data). These data indicate that the variant may be associated with disease. The following publication has been ascertained in the context of this evaluation (PMID: 37540482). ClinVar contains an entry for this variant (Variation ID: 239915). Based on the evidence outlined above, the variant was classified as likely pathogenic.

Labcorp Genetics (formerly Invitae), Labcorp
Classification: Pathogenic for Hereditary diffuse gastric adenocarcinoma. Last evaluated: 2026-01-26. Review status: criteria provided, single submitter. Criteria: Invitae Variant Classification Sherloc (09022015). Collection method: clinical testing. Allele origin: germline. Not counted in ClinVar's aggregate classification.
Comment: This sequence change falls in intron 6 of the CDH1 gene. It does not directly change the encoded amino acid sequence of the CDH1 protein. RNA analysis indicates that this variant induces altered splicing and may result in an absent or altered protein product. This variant is not present in population databases (gnomAD no frequency). This variant has been observed in individual(s) with clinical features of hereditary diffuse gastric cancer syndrome (PMID: 37540482). ClinVar contains an entry for this variant (Variation ID: 239915). Studies have shown that this variant results in activation of a cryptic splice site, and produces a non-functional protein and/or introduces a premature termination codon (PMID: 37540482; internal data). For these reasons, this variant has been classified as Pathogenic.

Ambry Genetics
Classification: Likely pathogenic for Hereditary cancer-predisposing syndrome. Last evaluated: 2023-06-15. Review status: criteria provided, single submitter. Criteria: Ambry Variant Classification Scheme 2023. Collection method: clinical testing. Allele origin: germline. Not counted in ClinVar's aggregate classification.
Comment: The c.833-9C>G intronic variant results from a C to G substitution 9 nucleotides upstream from coding exon 7 in the CDH1 gene. This alteration has been observed in at least one individual with a personal and/or family history that is consistent with CDH1-related disease (Ambry internal data, personal communication). This nucleotide position is poorly conserved in available vertebrate species. In silico splice site analysis predicts that this alteration will weaken the native splice acceptor site and will result in the creation or strengthening of a novel splice acceptor site. RNA studies have demonstrated that this alteration results in abnormal splicing in the set of samples tested (Ambry internal data). Based on the majority of available evidence to date, this variant is likely to be pathogenic.

Literature cited by the submitters: PubMed 37540482 (cited by Women's Health and Genetics/Laboratory Corporation of America, LabCorp and Labcorp Genetics (formerly Invitae), Labcorp).

NM_004360.5(CDH1):c.833-9C>G

Gene: CDH1 (cadherin 1; plus strand). Cytogenetic location: 16q22.1.
Variant type: single nucleotide variant.
Coding change: c.833-9C>G on transcript NM_004360.5 (MANE Select); 9 bases into the intron before coding-DNA position 833, C replaced by G.
Molecular consequence: intron variant.
Genome position (GRCh38, 1-based): chr16:68,811,675, C>G. VCF-style: chr16-68811675-C-G. GRCh37 (hg19) VCF-style: chr16-68845578-C-G.
Other names: c.833-9C>G (LRG_301t1, NM_001317184.2); c.-783-9C>G (NM_001317185.2); c.-987-9C>G (NM_001317186.2).
Identifiers: ClinVar variation 239915 (VCV000239915.13), dbSNP rs878854698, ClinGen allele CA10583413.